The following is an entry in ClinVar:

ClinVar aggregate classification (germline): Conflicting classifications of pathogenicity. Review status: criteria provided, conflicting classifications (1 of 4 stars). 6 submissions from 6 submitters: Uncertain significance (2); Benign (1); Likely benign (3). Last evaluated 2026-01-12.

Conditions:
Hypogonadotropic hypogonadism 5 with or without anosmia (KAL5). Also called: HYPOGONADOTROPIC HYPOGONADISM 5 WITH ANOSMIA; HYPOGONADOTROPHIC HYPOGONADISM 5 WITHOUT ANOSMIA; CHD7-Related GnRH Deficiency (Kallmann Syndrome 5). Identifiers: Orphanet 478, MedGen C3552553, MONDO:0012880, OMIM 612370. Disease mechanism: loss of function.
Inborn genetic diseases. Identifiers: MedGen C0950123, MeSH D030342.
CHARGE syndrome (CHARGE). Also called: CHARGE ASSOCIATION--COLOBOMA, HEART ANOMALY, CHOANAL ATRESIA, RETARDATION, GENITAL AND EAR ANOMALIES; Coloboma, heart anomaly, choanal atresia, retardation, genital and ear anomalies; CHARGE association; Hall-Hittner syndrome; Hittner Hirsch Kreh syndrome. Identifiers: Orphanet 138, MedGen C0265354, MONDO:0008965.

Allele frequency attached by ClinVar (database versions not stated): gnomAD 0.00003 and 0.00004; TOPMed 0.00004; gnomAD exomes 0.00006 and 0.00009; ExAC 0.00007; ESP Exome Variant Server 0.00008.
gnomAD v4.1: 148 of 1,613,586 alleles (0.0092%); highest among the groups gnomAD compares: Non-Finnish European, 0.01%; no homozygotes.

Submissions (6):

Labcorp Genetics (formerly Invitae), Labcorp
Classification: Benign for CHARGE syndrome. Last evaluated: 2026-01-12. Review status: criteria provided, single submitter. Criteria: Invitae Variant Classification Sherloc (09022015). Collection method: clinical testing. Allele origin: germline.

Blueprint Genetics
Classification: Likely benign. Last evaluated: 2024-04-02. Review status: criteria provided, single submitter. Criteria: ACMG Guidelines, 2015. Collection method: clinical testing. Allele origin: germline.

Revvity Omics, Revvity
Classification: Uncertain significance. Last evaluated: 2021-09-07. Review status: criteria provided, single submitter. Criteria: ACMG Guidelines, 2015. Collection method: clinical testing. Allele origin: germline.

Laboratory for Molecular Medicine, Mass General Brigham Personalized Medicine
Classification: Uncertain significance. Last evaluated: 2018-03-29. Review status: criteria provided, single submitter. Criteria: LMM Criteria. Collection method: clinical testing. Allele origin: germline. Observed: 1 variant allele.
Comment: Variant classified as Uncertain Significance - Favor Benign. The p.Ala1814Thr va riant in CHD7 has been reported in 1 individual with a sex development disorder (Eggers 2016), but has not been reported in individuals with hearing loss or CHA RGE syndrome. This variant has also been reported in Clin Var (Variation ID# 363 467). It has also been identified in 18/276340 total chromosomes by the Genome A ggregation Database (nomad; dbSNP rs368609862 ). Although this variant has been seen in the general population, its frequency is not high enough to rule out a pathogenic role. Computational prediction tools and conservation analysis suggest that the p.Ala1814Thr variant may not impact the protein, though this information is not predictive enough to rule out pathog enicity. In summary, while the clinical significance of the p.Ala1814Thr variant is uncertain, these data suggest that it is more likely to be benign. ACMG/AMP Criteria applied: BP4.

Illumina Laboratory Services, Illumina
Classification: Likely benign for Kallmann Syndrome 5. Last evaluated: 2018-01-13. Review status: criteria provided, single submitter. Criteria: ICSL Variant Classification Criteria 13 December 2019. Collection method: clinical testing. Allele origin: germline.
Comment: This variant was observed in the ICSL laboratory as part of a predisposition screen in an ostensibly healthy population. It had not been previously curated by ICSL or reported in the Human Gene Mutation Database (HGMD: prior to June 1st, 2018), and was therefore a candidate for classification through an automated scoring system. Utilizing variant allele frequency, disease prevalence and penetrance estimates, and inheritance mode, an automated score was calculated to assess if this variant is too frequent to cause the disease. Based on the score and internal cut-off values, a variant classified as likely benign is not then subjected to further curation. The score for this variant resulted in a classification of likely benign for this disease.

Ambry Genetics
Classification: Likely benign for Inborn genetic diseases. Last evaluated: 2017-09-27. Review status: criteria provided, single submitter. Criteria: Ambry Variant Classification Scheme 2023. Collection method: clinical testing. Allele origin: germline.

Literature cited by the submitters: PubMed 27899157 (cited by Laboratory for Molecular Medicine, Mass General Brigham Personalized Medicine).

NM_017780.4(CHD7):c.5440G>A (p.Ala1814Thr)

Gene: CHD7 (chromodomain helicase DNA binding protein 7; plus strand). Cytogenetic location: 8q12.2.
Variant type: single nucleotide variant.
Coding change: c.5440G>A on transcript NM_017780.4 (MANE Select); coding-DNA position 5440, G replaced by A.
Protein change: p.Ala1814Thr; replaces alanine 1814 with threonine.
Molecular consequence: missense variant. On other transcripts: intron variant (1).
Genome position (GRCh38, 1-based): chr8:60,850,528, G>A. VCF-style: chr8-60850528-G-A. GRCh37 (hg19) VCF-style: chr8-61763087-G-A.
Other names: c.1717-11701G>A (NM_001316690.1); short protein forms A1814T.
Identifiers: ClinVar variation 363467 (VCV000363467.19), dbSNP rs368609862, ClinGen allele CA4760371.